The following is an entry in ClinVar:

ClinVar aggregate classification (germline): Uncertain significance. Review status: criteria provided, single submitter (1 of 4 stars). 2 submissions from 2 submitters: Uncertain significance (1). 1 of the submissions does not count toward it. Last evaluated 2024-12-16.

Conditions:
Congenital stationary night blindness. Also called: Early-onset non-progressive night blindness. Identifiers: Orphanet 215, MedGen C0339535, MONDO:0016293, HP:0007642.

Submissions (2):

Labcorp Genetics (formerly Invitae), Labcorp
Classification: Uncertain significance. Last evaluated: 2024-12-16. Review status: criteria provided, single submitter. Criteria: Invitae Variant Classification Sherloc (09022015). Collection method: clinical testing. Allele origin: germline.
Comment: This sequence change replaces leucine, which is neutral and non-polar, with glutamine, which is neutral and polar, at codon 117 of the NYX protein (p.Leu117Gln). This variant is not present in population databases (gnomAD no frequency). This missense change has been observed in individuals with congenital stationary night blindness (PMID: 25307992, 31456290; internal data). ClinVar contains an entry for this variant (Variation ID: 812357). Invitae Evidence Modeling of protein sequence and biophysical properties (such as structural, functional, and spatial information, amino acid conservation, physicochemical variation, residue mobility, and thermodynamic stability) has been performed for this missense variant. However, the output from this modeling did not meet the statistical confidence thresholds required to predict the impact of this variant on NYX protein function. This variant disrupts the p.Leu117 amino acid residue in NYX. Other variant(s) that disrupt this residue have been observed in individuals with NYX-related conditions (PMID: 25307992), which suggests that this may be a clinically significant amino acid residue. In summary, the available evidence is currently insufficient to determine the role of this variant in disease. Therefore, it has been classified as a Variant of Uncertain Significance.

Sharon lab, Hadassah-Hebrew University Medical Center
Classification: Likely pathogenic for Congenital stationary night blindness. Last evaluated: 2019-06-23. Review status: no assertion criteria provided. Collection method: research. Allele origin: inherited. Affected: yes. Not counted in ClinVar's aggregate classification.

Literature cited by the submitters: PubMed 25307992 (cited by Labcorp Genetics (formerly Invitae), Labcorp); PubMed 31456290 (cited by Labcorp Genetics (formerly Invitae), Labcorp).

NM_001378477.3(NYX):c.335T>A (p.Leu112Gln)

Gene: NYX (nyctalopin; plus strand). Cytogenetic location: Xp11.4.
Variant type: single nucleotide variant.
Coding change: c.335T>A on transcript NM_001378477.3 (MANE Select); coding-DNA position 335, T replaced by A.
Protein change: p.Leu112Gln; replaces leucine 112 with glutamine.
Molecular consequence: missense variant.
Genome position (GRCh38, 1-based): chrX:41,473,803, T>A. VCF-style: chrX-41473803-T-A. GRCh37 (hg19) VCF-style: chrX-41333056-T-A.
Other names: c.335T>A, p.Leu112Gln (NM_022567.3); short protein forms L117Q, L112Q.
Identifiers: ClinVar variation 812357 (VCV000812357.9), dbSNP rs1602180352, ClinGen allele CA412989871.